The following is an entry in ClinVar:

ClinVar aggregate classification (germline): Likely benign (0 of 4 stars; one submission).

Conditions:
CMIP-related disorder. Also called: CMIP-related condition.

Allele frequency attached by ClinVar (database versions not stated): ExAC 0.00004; gnomAD exomes 0.00006; gnomAD 0.00008; TOPMed 0.00009; 1000 Genomes Project 30x 0.00016; 1000 Genomes Project 0.00020.
gnomAD v4.1: 111 of 1,606,970 alleles (0.0069%); highest among the groups gnomAD compares: Middle Eastern, 0.18%; 1 homozygote.

Submission:

PreventionGenetics, part of Exact Sciences
Classification: Likely benign for CMIP-related condition. Last evaluated: 2019-06-19. Review status: no assertion criteria provided. Collection method: clinical testing. Allele origin: germline.
Comment: This variant is classified as likely benign based on ACMG/AMP sequence variant interpretation guidelines (Richards et al. 2015 PMID: 25741868, with internal and published modifications).

NM_198390.3(CMIP):c.1614T>C (p.Asp538=)

Gene: CMIP (c-Maf inducing protein; plus strand). Cytogenetic location: 16q23.3.
Variant type: single nucleotide variant.
Coding change: c.1614T>C on transcript NM_198390.3 (MANE Select); coding-DNA position 1614, T replaced by C.
Protein change: p.Asp538=; no amino-acid change (aspartic acid 538 retained).
Molecular consequence: synonymous variant.
Genome position (GRCh38, 1-based): chr16:81,696,643, T>C. VCF-style: chr16-81696643-T-C. GRCh37 (hg19) VCF-style: chr16-81730248-T-C.
Other names: c.1332T>C, p.Asp444= (NM_030629.3).
Identifiers: ClinVar variation 3042535 (VCV003042535.2), dbSNP rs545129438, ClinGen allele CA8192603.